The following is an entry in ClinVar:

NM_198252.3(GSN):c.1240T>C (p.Tyr414His)

Gene: GSN (gelsolin; plus strand). Cytogenetic location: 9q33.2.
Variant type: single nucleotide variant.
Coding change: c.1240T>C on transcript NM_198252.3 (MANE Select); coding-DNA position 1240, T replaced by C.
Protein change: p.Tyr414His; replaces tyrosine 414 with histidine.
Molecular consequence: missense variant.
Genome position (GRCh38, 1-based): chr9:121,321,316, T>C. VCF-style: chr9-121321316-T-C. GRCh37 (hg19) VCF-style: chr9-124083594-T-C.
Other names: c.1393T>C, p.Tyr465His (NM_000177.5); c.1240T>C, p.Tyr414His (NM_001127662.2, NM_001127664.2, NM_001127665.2 and 10 more transcripts); c.1348T>C, p.Tyr450His (NM_001127663.2); c.1273T>C, p.Tyr425His (NM_001127666.2, NM_001127667.2, NM_001353063.2 and 13 more transcripts); c.1291T>C, p.Tyr431His (NM_001258029.2); c.1264T>C, p.Tyr422His (NM_001258030.2); c.1312T>C, p.Tyr438His (NM_001353076.2); c.586T>C, p.Tyr196His (NM_001353078.2); short protein forms Y196H, Y431H, Y425H, Y450H, Y465H, Y422H, Y438H, Y414H.
Identifiers: ClinVar variation 1436598 (VCV001436598.8), dbSNP rs1249750610, ClinGen allele CA374749707.

ClinVar aggregate classification (germline): Uncertain significance (1 of 4 stars; one submission).

Allele frequency attached by ClinVar (database versions not stated): TOPMed below 0.00001; gnomAD 0.00001.
gnomAD v4.1: 1 of 1,613,646 alleles (0.000062%); highest among the groups gnomAD compares: Non-Finnish European, 0.000085%; no homozygotes.

Submission:

Labcorp Genetics (formerly Invitae), Labcorp
Classification: Uncertain significance. Last evaluated: 2021-03-17. Review status: criteria provided, single submitter. Criteria: Invitae Variant Classification Sherloc (09022015). Collection method: clinical testing. Allele origin: germline.
Comment: In summary, the available evidence is currently insufficient to determine the role of this variant in disease. Therefore, it has been classified as a Variant of Uncertain Significance. This sequence change replaces tyrosine with histidine at codon 465 of the GSN protein (p.Tyr465His). The tyrosine residue is moderately conserved and there is a moderate physicochemical difference between tyrosine and histidine. This variant is not present in population databases (ExAC no frequency). This variant has not been reported in the literature in individuals with GSN-related conditions. Algorithms developed to predict the effect of missense changes on protein structure and function are either unavailable or do not agree on the potential impact of this missense change (SIFT: "Deleterious"; PolyPhen-2: "Possibly Damaging"; Align-GVGD: "Class C0").